The following is an entry in ClinVar:

NM_152635.3(OIT3):c.198G>A (p.Ala66=)

Gene: OIT3 (oncoprotein induced transcript 3; plus strand). Cytogenetic location: 10q22.1.
Variant type: single nucleotide variant.
Coding change: c.198G>A on transcript NM_152635.3 (MANE Select); coding-DNA position 198, G replaced by A.
Protein change: p.Ala66=; no amino-acid change (alanine 66 retained).
Molecular consequence: synonymous variant. On other transcripts: non-coding transcript variant (1).
Genome position (GRCh38, 1-based): chr10:72,898,800, G>A. VCF-style: chr10-72898800-G-A. GRCh37 (hg19) VCF-style: chr10-74658558-G-A.
Identifiers: ClinVar variation 2640579 (VCV002640579.24), dbSNP rs150387319, ClinGen allele CA5550758.

ClinVar aggregate classification (germline): Likely benign (1 of 4 stars; one submission).

Allele frequency attached by ClinVar (database versions not stated): gnomAD exomes 0.00027; gnomAD 0.00028; TOPMed 0.00030; ExAC 0.00033; ESP Exome Variant Server 0.00100.
gnomAD v4.1: 443 of 1,613,876 alleles (0.027%); highest among the groups gnomAD compares: Non-Finnish European, 0.02%; 3 homozygotes.

Submission:

CeGaT Center for Human Genetics Tuebingen
Classification: Likely benign. Last evaluated: 2022-10-01. Review status: criteria provided, single submitter. Criteria: CeGaT Center For Human Genetics Tuebingen Variant Classification Criteria Version 2. Collection method: clinical testing. Allele origin: germline. Affected: yes. Observed: 1 variant allele.
Comment: OIT3: BP4, BP7